The following is an entry in ClinVar:

NM_001367624.2(ZNF469):c.6349C>A (p.Pro2117Thr)

Gene: ZNF469 (zinc finger protein 469; plus strand). Cytogenetic location: 16q24.2.
Variant type: single nucleotide variant.
Coding change: c.6349C>A on transcript NM_001367624.2 (MANE Select); coding-DNA position 6349, C replaced by A.
Protein change: p.Pro2117Thr; replaces proline 2117 with threonine.
Molecular consequence: missense variant.
Genome position (GRCh38, 1-based): chr16:88,433,819, C>A. VCF-style: chr16-88433819-C-A. GRCh37 (hg19) VCF-style: chr16-88500227-C-A.
Other names: short protein forms P2117T.
Identifiers: ClinVar variation 3907088 (VCV003907088.1).

ClinVar aggregate classification (germline): Uncertain significance (1 of 4 stars; one submission).

Submission:

Women's Health and Genetics/Laboratory Corporation of America, LabCorp
Classification: Uncertain significance. Last evaluated: 2025-06-16. Review status: criteria provided, single submitter. Criteria: LabCorp Variant Classification Summary - May 2015. Collection method: clinical testing. Allele origin: germline.
Comment: Variant summary: ZNF469 c.6349C>A (p.Pro2117Thr) results in a non-conservative amino acid change in the encoded protein sequence. Algorithms developed to predict the effect of missense changes on protein structure and function are either unavailable or do not agree on the potential impact of this missense change. The variant was absent in 147610 control chromosomes. The available data on variant occurrences in the general population are insufficient to allow any conclusion about variant significance. To our knowledge, no occurrence of c.6349C>A in individuals affected with Brittle cornea syndrome 1 and no experimental evidence demonstrating its impact on protein function have been reported. No submitters have cited clinical-significance assessments for this variant to ClinVar. Based on the evidence outlined above, the variant was classified as uncertain significance.